The following is an entry in ClinVar:

NM_002878.4(RAD51D):c.74T>C (p.Ile25Thr)

Genes: RAD51L3-RFFL (RAD51L3-RFFL readthrough; minus strand), RAD51D (RAD51 paralog D; minus strand). Cytogenetic location: 17q12.
Variant type: single nucleotide variant.
Coding change: c.74T>C on transcript NM_002878.4 (MANE Select); coding-DNA position 74, T replaced by C.
Protein change: p.Ile25Thr; replaces isoleucine 25 with threonine.
Molecular consequence: missense variant. On other transcripts: non-coding transcript variant (2).
Genome position (GRCh38, 1-based): chr17:35,119,540, A>G on the plus strand (T>C on the coding strand, the complement: RAD51D is on the minus strand). VCF-style: chr17-35119540-A-G. GRCh37 (hg19) VCF-style: chr17-33446559-A-G.
Other names: c.74T>C, p.Ile25Thr (NM_001142571.2, NM_133629.3); short protein forms I25T.
Identifiers: ClinVar variation 3222889 (VCV003222889.1), dbSNP rs2091797279, ClinGen allele CA399092287.

ClinVar aggregate classification (germline): Uncertain significance (1 of 4 stars; one submission).

Conditions:
Hereditary cancer-predisposing syndrome. Also called: Tumor predisposition; Hereditary neoplastic syndrome; Hereditary Cancer Syndrome; Neoplastic Syndromes, Hereditary. Identifiers: Orphanet 140162, MedGen C0027672, MeSH D009386, MONDO:0015356.

Allele frequency attached by ClinVar (database versions not stated): gnomAD exomes below 0.00001.
gnomAD v4.1: 1 of 1,612,100 alleles (0.000062%); highest among the groups gnomAD compares: Non-Finnish European, 0.000085%; no homozygotes.

Submission:

Ambry Genetics
Classification: Uncertain significance for Hereditary cancer-predisposing syndrome. Last evaluated: 2023-11-28. Review status: criteria provided, single submitter. Criteria: Ambry Variant Classification Scheme 2023. Collection method: clinical testing. Allele origin: germline.
Comment: The p.I25T variant (also known as c.74T>C), located in coding exon 1 of the RAD51D gene, results from a T to C substitution at nucleotide position 74. The isoleucine at codon 25 is replaced by threonine, an amino acid with similar properties. This amino acid position is conserved. In addition, this alteration is predicted to be tolerated by in silico analysis. Since supporting evidence is limited at this time, the clinical significance of this alteration remains unclear.